The following is an entry in ClinVar:

NM_001031725.6(DDX59):c.454C>T (p.Gln152Ter)

Gene: DDX59 (DEAD-box helicase 59; minus strand). Cytogenetic location: 1q32.1.
Variant type: single nucleotide variant.
Coding change: c.454C>T on transcript NM_001031725.6 (MANE Select); coding-DNA position 454, C replaced by T.
Protein change: p.Gln152Ter; replaces glutamine 152 with a stop codon.
Molecular consequence: nonsense.
Genome position (GRCh38, 1-based): chr1:200,666,287, G>A on the plus strand (C>T on the coding strand, the complement: DDX59 is on the minus strand). VCF-style: chr1-200666287-G-A. GRCh37 (hg19) VCF-style: chr1-200635415-G-A.
Other names: c.454C>T, p.Gln152Ter (NM_001320181.2, NM_001320182.1, NM_001349799.3 and 5 more transcripts); short protein forms Q152*.
Identifiers: ClinVar variation 2008692 (VCV002008692.4), dbSNP rs774120769, ClinGen allele CA35968092.

ClinVar aggregate classification (germline): Pathogenic (1 of 4 stars; one submission).

Allele frequency attached by ClinVar (database versions not stated): gnomAD exomes below 0.00001.
gnomAD v4.1: 1 of 1,614,220 alleles (0.000062%); highest among the groups gnomAD compares: Non-Finnish European, 0.000085%; no homozygotes.

Submission:

Labcorp Genetics (formerly Invitae), Labcorp
Classification: Pathogenic. Last evaluated: 2023-07-21. Review status: criteria provided, single submitter. Criteria: Invitae Variant Classification Sherloc (09022015). Collection method: clinical testing. Allele origin: germline.
Comment: For these reasons, this variant has been classified as Pathogenic. ClinVar contains an entry for this variant (Variation ID: 2008692). This variant has not been reported in the literature in individuals affected with DDX59-related conditions. This variant is not present in population databases (gnomAD no frequency). This sequence change creates a premature translational stop signal (p.Gln152*) in the DDX59 gene. It is expected to result in an absent or disrupted protein product. Loss-of-function variants in DDX59 are known to be pathogenic (PMID: 29127725).

Literature cited by the submitters: PubMed 29127725.